The following is an entry in ClinVar:

NM_080476.5(PIGU):c.2T>C (p.Met1Thr)

Gene: PIGU (phosphatidylinositol glycan anchor biosynthesis class U; minus strand). Cytogenetic location: 20q11.22.
Variant type: single nucleotide variant.
Coding change: c.2T>C on transcript NM_080476.5 (MANE Select); coding-DNA position 2, T replaced by C.
Protein change: p.Met1Thr; changes the start codon (methionine 1).
Molecular consequence: missense variant, initiator codon variant.
Genome position (GRCh38, 1-based): chr20:34,677,084, A>G on the plus strand (T>C on the coding strand, the complement: PIGU is on the minus strand). VCF-style: chr20-34677084-A-G. GRCh37 (hg19) VCF-style: chr20-33264888-A-G.
Other names: short protein forms M1T.
Identifiers: ClinVar variation 2193754 (VCV002193754.5), dbSNP rs765692801, ClinGen allele CA9822801.
Genomic context (GRCh38, chr20:34,677,084, plus strand): 5'-CGGAACAAGGCCGCCCGCACTGTCACAGCCACCACCAGCACCAGGACCAAGGGAGCCGCC[A>G]TGATAACTGGGGCGGGCGCGCGGGCGGGGAGGGAAGGCGAGGCGGAGGAGCCTCGCGCGC-3'
Protein context (NP_536724.1, residues 1-11): [Met1Thr]AAPLVLVLVV

ClinVar aggregate classification (germline): Uncertain significance (1 of 4 stars; one submission).

Allele frequency attached by ClinVar (database versions not stated): gnomAD 0.00001; TOPMed 0.00002.

Submission:

Labcorp Genetics (formerly Invitae), Labcorp
Classification: Uncertain significance. Last evaluated: 2024-12-02. Review status: criteria provided, single submitter. Criteria: Invitae Variant Classification Sherloc (09022015). Collection method: clinical testing. Allele origin: germline.
Comment: This sequence change affects the initiator methionine of the PIGU mRNA. The next in-frame methionine is located at codon 85. This variant is present in population databases (rs765692801, gnomAD 0.03%). This variant has not been reported in the literature in individuals affected with PIGU-related conditions. ClinVar contains an entry for this variant (Variation ID: 2193754). Experimental studies and prediction algorithms are not available or were not evaluated, and the functional significance of this variant is currently unknown. In summary, the available evidence is currently insufficient to determine the role of this variant in disease. Therefore, it has been classified as a Variant of Uncertain Significance.